The following is an entry in ClinVar:

ClinVar aggregate classification (germline): Uncertain significance (1 of 4 stars; one submission).

Allele frequency attached by ClinVar (database versions not stated): ExAC 0.00001.
gnomAD v4.1: 7 of 1,613,938 alleles (0.00043%); highest among the groups gnomAD compares: South Asian, 0.0044%; no homozygotes.

Submission:

Labcorp Genetics (formerly Invitae), Labcorp
Classification: Uncertain significance. Last evaluated: 2023-05-12. Review status: criteria provided, single submitter. Criteria: Invitae Variant Classification Sherloc (09022015). Collection method: clinical testing. Allele origin: germline.
Comment: Advanced modeling of protein sequence and biophysical properties (such as structural, functional, and spatial information, amino acid conservation, physicochemical variation, residue mobility, and thermodynamic stability) performed at Invitae indicates that this missense variant is not expected to disrupt SRP72 protein function. This sequence change replaces serine, which is neutral and polar, with glycine, which is neutral and non-polar, at codon 511 of the SRP72 protein (p.Ser511Gly). This variant is present in population databases (rs764251568, gnomAD 0.0009%). This variant has not been reported in the literature in individuals affected with SRP72-related conditions. ClinVar contains an entry for this variant (Variation ID: 2016883). Algorithms developed to predict the effect of sequence changes on RNA splicing suggest that this variant may create or strengthen a splice site. In summary, the available evidence is currently insufficient to determine the role of this variant in disease. Therefore, it has been classified as a Variant of Uncertain Significance.

NM_006947.4(SRP72):c.1531A>G (p.Ser511Gly)

Gene: SRP72 (signal recognition particle 72; plus strand). Cytogenetic location: 4q12.
Variant type: single nucleotide variant.
Coding change: c.1531A>G on transcript NM_006947.4 (MANE Select); coding-DNA position 1531, A replaced by G.
Protein change: p.Ser511Gly; replaces serine 511 with glycine.
Molecular consequence: missense variant. On other transcripts: non-coding transcript variant (1).
Genome position (GRCh38, 1-based): chr4:56,491,459, A>G. VCF-style: chr4-56491459-A-G. GRCh37 (hg19) VCF-style: chr4-57357625-A-G.
Other names: c.1348A>G, p.Ser450Gly (NM_001267722.2); short protein forms S450G, S511G.
Identifiers: ClinVar variation 2016883 (VCV002016883.4), dbSNP rs764251568, ClinGen allele CA2931400.
Genomic context (GRCh38, chr4:56,491,459, plus strand): 5'-TATTATGTTCCTGAACTCCTGTTCTATCACAGTCTTAGTAAACACTTGCCATCGTCAGAT[A>G]GTATGTCTCTAAAAGTAGATGTTGAGGCTCTTGAAAATTCTGCTGGTGCTACATACATTC-3'
Protein context (NP_008878.3, residues 501-521): ALSKHLPSSD[Ser511Gly]MSLKVDVEAL